The following is an entry in ClinVar:

ClinVar aggregate classification (germline): Uncertain significance (1 of 4 stars; one submission).

Submission:

GeneDx
Classification: Uncertain significance. Last evaluated: 2022-11-03. Review status: criteria provided, single submitter. Criteria: GeneDx Variant Classification Process June 2021. Collection method: clinical testing. Allele origin: germline. Affected: yes.
Comment: In silico analysis supports that this variant does not alter splicing; Has not been previously published as pathogenic or benign to our knowledge; No data available from control populations to assess the frequency of this variant

NM_001165963.4(SCN1A):c.4002+2454G>A

Genes: SCN1A (sodium voltage-gated channel alpha subunit 1; minus strand), LOC102724058 (uncharacterized LOC102724058; plus strand). Cytogenetic location: 2q24.3.
Variant type: single nucleotide variant.
Coding change: c.4002+2454G>A on transcript NM_001165963.4 (MANE Select); 2454 bases into the intron after coding-DNA position 4002, G replaced by A.
Molecular consequence: intron variant. On other transcripts: non-coding transcript variant (1).
Genome position (GRCh38, 1-based): chr2:166,007,265, C>T on the plus strand (G>A on the coding strand, the complement: SCN1A is on the minus strand). VCF-style: chr2-166007265-C-T. GRCh37 (hg19) VCF-style: chr2-166863775-C-T.
Other names: c.3969+2454G>A (NM_001353949.2, NM_001353950.2, NM_001353951.2 and 2 more transcripts); c.3918+2454G>A (NM_001353958.2, NM_001353957.2, NM_001165964.3); c.4002+2454G>A (NM_001202435.3, NM_001353948.2); c.3966+2454G>A (NM_001353955.2, NM_001353954.2); c.3915+2454G>A (NM_001353960.2); c.1560+2454G>A (NM_001353961.2).
Identifiers: ClinVar variation 2501515 (VCV002501515.1), dbSNP rs2468471420, ClinGen allele CA2580614384.
Genomic context (GRCh38, chr2:166,007,265, plus strand): 5'-GGTAGCAAAAGGGGTAATACAGTACCCATAATAAAGGGCTCAGGGGAGGAACCAGCGCTC[C>T]ACCCCATCCAAGTTGGAGCAAGATTATCCTATACAAAATAGAAATATATAGTTTGTTATT-3'